The following is an entry in ClinVar:

NM_005585.5(SMAD6):c.344G>A (p.Trp115Ter)

Gene: SMAD6 (SMAD family member 6; plus strand). Cytogenetic location: 15q22.31.
Variant type: single nucleotide variant.
Coding change: c.344G>A on transcript NM_005585.5 (MANE Select); coding-DNA position 344, G replaced by A.
Protein change: p.Trp115Ter; replaces tryptophan 115 with a stop codon.
Molecular consequence: nonsense. On other transcripts: non-coding transcript variant (1).
Genome position (GRCh38, 1-based): chr15:66,703,602, G>A. VCF-style: chr15-66703602-G-A. GRCh37 (hg19) VCF-style: chr15-66995940-G-A.
Other names: short protein forms W115*.
Identifiers: ClinVar variation 4531510 (VCV004531510.1).
Genomic context (GRCh38, chr15:66,703,602, plus strand): 5'-AGCCAGGGGCCGGCGCTGGGAGCTCCCTGCTGGACGTGGCGGAGCCGGGAGGCCCGGGCT[G>A]GCTGCCCGAGAGTGACTGCGAGACGGTGACCTGCTGTCTCTTTTCGGAGCGGGACGCCGC-3'

ClinVar aggregate classification (germline): Pathogenic (1 of 4 stars; one submission).

Conditions:
Cardiogenetic disease. Identifiers: MedGen CN377187, MONDO:0100547.

Submission:

Victorian Clinical Genetics Services, Murdoch Childrens Research Institute
Classification: Pathogenic for Cardiogenetic disease. Last evaluated: 2025-08-18. Review status: criteria provided, single submitter. Criteria: ACMG Guidelines, 2015. Collection method: clinical testing. Allele origin: germline. Affected: yes.
Comment: This variant is classified as Pathogenic. Evidence in support of pathogenic classification: Variant is predicted to cause nonsense-mediated decay (NMD) and loss of protein (premature termination codon is located at least 54 nucleotides upstream of the final exon-exon junction); Variant is present in gnomAD <0.001 for a dominant condition (v4: 3 heterozygote(s), 0 homozygote(s)). An alternate nucleotide change resulting in the same predicted protein outcome is present in gnomAD (v4: 4 heterozygotes, 0 homozygotes); This variant has limited previous evidence of pathogenicity in an unrelated individual(s). An alternate nucleotide substitution at the same position, which is predicted to result in the same protein change p.(Trp115*), c.345G>A, has been reported in the literature in an individual with nonsyndromic radioulnar synostosis (PMID: 31138930); Other NMD-predicted variant(s) comparable to the one identified in this case have very strong previous evidence for pathogenicity. Many NMD-predicted variants have been reported in individuals in the literature with aortic valve disease, craniosynostosis or radioulnar synostosis (PMID: 32499606, 31138930, 28991257). Additional information: This variant is heterozygous; This gene is associated with autosomal dominant disease; Loss of function is a known mechanism of disease in this gene and is associated with aortic valve disease 2 (MIM#614823), craniosynostosis 7 (MIM#617439), and radioulnar synostosis, nonsyndromic (MIM#179300). There have also been reports in the literature of affected individuals with pulmonary atresia and other right-sided heart lesions (PMID: 40133303, 28991257). - The condition associated with this gene has incomplete penetrance. Incomplete penetrance is well reported for craniosynostosis susceptibility; however, further evidence is required to establish this for aortic valve disease (PMIDs: 32499606, 30796334, 27606499); Inheritance information for this variant is not currently available in this individual.

Literature cited by the submitters: PubMed 27606499; PubMed 30796334; PubMed 40133303; PubMed 32499606; PubMed 31138930; PubMed 28991257.